The following is an entry in ClinVar:

NM_002303.6(LEPR):c.2487T>C (p.Thr829=)

Gene: LEPR (leptin receptor; plus strand). Cytogenetic location: 1p31.3.
Variant type: single nucleotide variant.
Coding change: c.2487T>C on transcript NM_002303.6 (MANE Select); coding-DNA position 2487, T replaced by C.
Protein change: p.Thr829=; no amino-acid change (threonine 829 retained).
Molecular consequence: synonymous variant.
Genome position (GRCh38, 1-based): chr1:65,620,019, T>C. VCF-style: chr1-65620019-T-C. GRCh37 (hg19) VCF-style: chr1-66085702-T-C.
Other names: c.2487T>C, p.Thr829= (NM_001003679.3, NM_001003680.3, NM_001198687.2 and 2 more transcripts).
Identifiers: ClinVar variation 3357470 (VCV003357470.1).

ClinVar aggregate classification (germline): Likely benign (0 of 4 stars; one submission).

Conditions:
LEPR-related disorder. Also called: LEPR-related condition; LEPR-related disorders.

gnomAD v4.1: 2 of 1,607,402 alleles (0.00012%); highest among the groups gnomAD compares: African/African-American, 0.0027%; no homozygotes.

Submission:

PreventionGenetics, part of Exact Sciences
Classification: Likely benign for LEPR-related condition. Last evaluated: 2021-04-06. Review status: no assertion criteria provided. Collection method: clinical testing. Allele origin: germline.
Comment: This variant is classified as likely benign based on ACMG/AMP sequence variant interpretation guidelines (Richards et al. 2015 PMID: 25741868, with internal and published modifications).